The following is an entry in ClinVar:

NM_014967.5(FAN1):c.1834C>T (p.Leu612=)

Gene: FAN1 (FANCD2 and FANCI associated nuclease 1; plus strand). Cytogenetic location: 15q13.3.
Variant type: single nucleotide variant.
Coding change: c.1834C>T on transcript NM_014967.5 (MANE Select); coding-DNA position 1834, C replaced by T.
Protein change: p.Leu612=; no amino-acid change (leucine 612 retained).
Molecular consequence: synonymous variant.
Genome position (GRCh38, 1-based): chr15:30,918,186, C>T. VCF-style: chr15-30918186-C-T. GRCh37 (hg19) VCF-style: chr15-31210389-C-T.
Identifiers: ClinVar variation 3029776 (VCV003029776.2), dbSNP rs1566918765, ClinGen allele CA489340780.
Genomic context (GRCh38, chr15:30,918,186, plus strand): 5'-TCATTCTTATTTGGAACTTGGATGGCATTTTCCTCCAGATATGCAGCAGCCACGCACATG[C>T]TGAGTGACATTTCTTCCGCAATGGCCAATGGGAACTGGGAAGAAGCTAAGGAGCTCGCTC-3'
Protein context (NP_055782.3, residues 602-622): LIRYAAATHM[Leu612=]SDISSAMANG

ClinVar aggregate classification (germline): Likely benign (0 of 4 stars; one submission).

Conditions:
FAN1-related disorder. Also called: FAN1-related condition.

Submission:

PreventionGenetics, part of Exact Sciences
Classification: Likely benign for FAN1-related condition. Last evaluated: 2022-02-23. Review status: no assertion criteria provided. Collection method: clinical testing. Allele origin: germline.
Comment: This variant is classified as likely benign based on ACMG/AMP sequence variant interpretation guidelines (Richards et al. 2015 PMID: 25741868, with internal and published modifications).